The following is an entry in ClinVar:

NM_000273.3(GPR143):c.709A>G (p.Arg237Gly)

Gene: GPR143 (G protein-coupled receptor 143; minus strand). Cytogenetic location: Xp22.2.
Variant type: single nucleotide variant.
Coding change: c.709A>G on transcript NM_000273.3 (MANE Select); coding-DNA position 709, A replaced by G.
Protein change: p.Arg237Gly; replaces arginine 237 with glycine.
Molecular consequence: missense variant.
Genome position (GRCh38, 1-based): chrX:9,743,623, T>C on the plus strand (A>G on the coding strand, the complement: GPR143 is on the minus strand). VCF-style: chrX-9743623-T-C. GRCh37 (hg19) VCF-style: chrX-9711663-T-C.
Other names: short protein forms R237G.
Identifiers: ClinVar variation 1375260 (VCV001375260.8), dbSNP rs2146687529, ClinGen allele CA411996892.

ClinVar aggregate classification (germline): Uncertain significance (1 of 4 stars; one submission).

Submission:

Labcorp Genetics (formerly Invitae), Labcorp
Classification: Uncertain significance. Last evaluated: 2025-12-01. Review status: criteria provided, single submitter. Criteria: Invitae Variant Classification Sherloc (09022015). Collection method: clinical testing. Allele origin: germline.
Comment: This sequence change replaces arginine, which is basic and polar, with glycine, which is neutral and non-polar, at codon 237 of the GPR143 protein (p.Arg237Gly). This variant is not present in population databases (gnomAD no frequency). This variant has not been reported in the literature in individuals affected with GPR143-related conditions. ClinVar contains an entry for this variant (Variation ID: 1375260). Invitae Evidence Modeling of protein sequence and biophysical properties (such as structural, functional, and spatial information, amino acid conservation, physicochemical variation, residue mobility, and thermodynamic stability) has been performed for this missense variant. However, the output from this modeling did not meet the statistical confidence thresholds required to predict the impact of this variant on GPR143 protein function. Algorithms developed to predict the effect of sequence changes on RNA splicing suggest that this variant may disrupt the consensus splice site. In summary, the available evidence is currently insufficient to determine the role of this variant in disease. Therefore, it has been classified as a Variant of Uncertain Significance.